The following is an entry in ClinVar:

NM_015107.3(PHF8):c.1338G>T (p.Gln446His)

Gene: PHF8 (PHD finger protein 8; minus strand). Cytogenetic location: Xp11.22.
Variant type: single nucleotide variant.
Coding change: c.1338G>T on transcript NM_015107.3 (MANE Select); coding-DNA position 1338, G replaced by T.
Protein change: p.Gln446His; replaces glutamine 446 with histidine.
Molecular consequence: missense variant. On other transcripts: intron variant (1).
Genome position (GRCh38, 1-based): chrX:53,993,889, C>A on the plus strand (G>T on the coding strand, the complement: PHF8 is on the minus strand). VCF-style: chrX-53993889-C-A. GRCh37 (hg19) VCF-style: chrX-54020322-C-A.
Other names: c.1446G>T, p.Gln482His (NM_001184896.1); c.1338G>T, p.Gln446His (NM_001184898.2); c.1324-1050G>T (NM_001184897.2); short protein forms Q446H, Q482H.
Identifiers: ClinVar variation 3903295 (VCV003903295.1).

ClinVar aggregate classification (germline): Uncertain significance (1 of 4 stars; one submission).

Submission:

GeneDx
Classification: Uncertain significance. Last evaluated: 2024-12-06. Review status: criteria provided, single submitter. Criteria: GeneDx Variant Classification Process June 2021. Collection method: clinical testing. Allele origin: germline. Affected: yes.
Comment: Not observed at significant frequency in large population cohorts (gnomAD); In silico analysis indicates that this missense variant does not alter protein structure/function; Has not been previously published as pathogenic or benign to our knowledge